The following is an entry in ClinVar:

NM_058216.3(RAD51C):c.*2C>G

Gene: RAD51C (RAD51 paralog C; plus strand). Cytogenetic location: 17q22.
Variant type: single nucleotide variant.
Coding change: c.*2C>G on transcript NM_058216.3 (MANE Select); 2 bases downstream of the stop codon, C replaced by G.
Molecular consequence: 3 prime UTR variant. On other transcripts: non-coding transcript variant (1).
Genome position (GRCh38, 1-based): chr17:58,734,224, C>G. VCF-style: chr17-58734224-C-G. GRCh37 (hg19) VCF-style: chr17-56811585-C-G.
Other names: c.*561C>G (NM_058217.1).
Identifiers: ClinVar variation 2774201 (VCV002774201.3), dbSNP rs2144063401, ClinGen allele CA2697560196.

ClinVar aggregate classification (germline): Conflicting classifications of pathogenicity. Review status: criteria provided, conflicting classifications (1 of 4 stars). 2 submissions from 2 submitters: Uncertain significance (1); Benign (1). Last evaluated 2025-02-19.

Conditions:
Hereditary cancer-predisposing syndrome. Also called: Hereditary neoplastic syndrome; Hereditary Cancer Syndrome; Neoplastic Syndromes, Hereditary; Tumor predisposition. Identifiers: Orphanet 140162, MedGen C0027672, MeSH D009386, MONDO:0015356.
Breast-ovarian cancer, familial, susceptibility to, 3. Also called: RAD51C-Related Breast/Ovarian Cancer. Identifiers: Orphanet 145, MedGen C3150659, MONDO:0013253, OMIM 613399.

Submissions (2):

Myriad Genetics, Inc.
Classification: Benign for Breast-ovarian cancer, familial, susceptibility to, 3. Last evaluated: 2025-02-19. Review status: criteria provided, single submitter. Criteria: Myriad Autosomal Dominant, Autosomal Recessive and X-Linked Classification Criteria (2023). Collection method: clinical testing. Allele origin: unknown.
Comment: This variant is considered benign. This variant occurs in the non-coding 3' untranslated region of the gene, and is not expected to impact protein function.

Color Diagnostics, LLC DBA Color Health
Classification: Uncertain significance for Hereditary cancer-predisposing syndrome. Last evaluated: 2021-10-06. Review status: criteria provided, single submitter. Criteria: ACMG Guidelines, 2015. Collection method: clinical testing. Allele origin: germline.
Comment: This variant is located in the 3' untranslated region of the RAD51C gene. To our knowledge, functional studies have not been reported for this variant. This variant has not been reported in individuals affected with hereditary cancer in the literature. This variant has not been identified in the general population by the Genome Aggregation Database (gnomAD). The available evidence is insufficient to determine the role of this variant in disease conclusively. Therefore, this variant is classified as a Variant of Uncertain Significance.